The following is an entry in ClinVar:

ClinVar aggregate classification (germline): Uncertain significance. Review status: criteria provided, multiple submitters, no conflicts (2 of 4 stars). 2 submissions from 2 submitters: Uncertain significance (2). Last evaluated 2024-10-14.

Conditions:
Short-rib thoracic dysplasia 10 with or without polydactyly (SRTD10). Identifiers: Orphanet 474, MedGen C3810175, MONDO:0014284, OMIM 615630.
Retinitis pigmentosa 71 (RP71). Identifiers: Orphanet 791, MedGen C4225342, MONDO:0014618, OMIM 616394.
IFT172-related disorder. Also called: IFT172-related disorders; IFT172-related condition.

Submissions (2):

PreventionGenetics, part of Exact Sciences
Classification: Uncertain significance for IFT172-related condition. Last evaluated: 2024-10-14. Review status: criteria provided, single submitter. Criteria: ACMG Guidelines, 2015. Collection method: clinical testing. Allele origin: germline.
Comment: The IFT172 c.1925A>C variant is predicted to result in the amino acid substitution p.His642Pro. To our knowledge, this variant has not been reported in the literature or in a large population database (gnomAD), indicating this variant is rare. At this time, the clinical significance of this variant is uncertain due to the absence of conclusive functional and genetic evidence.

Labcorp Genetics (formerly Invitae), Labcorp
Classification: Uncertain significance for Retinitis pigmentosa 71; Short-rib thoracic dysplasia 10 with or without polydactyly. Last evaluated: 2022-03-04. Review status: criteria provided, single submitter. Criteria: Invitae Variant Classification Sherloc (09022015). Collection method: clinical testing. Allele origin: germline.
Comment: In summary, the available evidence is currently insufficient to determine the role of this variant in disease. Therefore, it has been classified as a Variant of Uncertain Significance. Algorithms developed to predict the effect of missense changes on protein structure and function (SIFT, PolyPhen-2, Align-GVGD) all suggest that this variant is likely to be tolerated. This variant has not been reported in the literature in individuals affected with IFT172-related conditions. This variant is not present in population databases (gnomAD no frequency). This sequence change replaces histidine, which is basic and polar, with proline, which is neutral and non-polar, at codon 642 of the IFT172 protein (p.His642Pro).

NM_015662.3(IFT172):c.1925A>C (p.His642Pro)

Gene: IFT172 (intraflagellar transport 172; minus strand). Cytogenetic location: 2p23.3.
Variant type: single nucleotide variant.
Coding change: c.1925A>C on transcript NM_015662.3 (MANE Select); coding-DNA position 1925, A replaced by C.
Protein change: p.His642Pro; replaces histidine 642 with proline.
Molecular consequence: missense variant.
Genome position (GRCh38, 1-based): chr2:27,465,423, T>G on the plus strand (A>C on the coding strand, the complement: IFT172 is on the minus strand). VCF-style: chr2-27465423-T-G. GRCh37 (hg19) VCF-style: chr2-27688290-T-G.
Other names: c.1925A>C (NM_015662.2); short protein forms H642P.
Identifiers: ClinVar variation 1432321 (VCV001432321.9), dbSNP rs2148515313, ClinGen allele CA346386125.